The following is an entry in ClinVar:

NM_021729.6(VPS11):c.2131C>T (p.Arg711Cys)

Gene: VPS11 (VPS11 core subunit of CORVET and HOPS complexes; plus strand). Cytogenetic location: 11q23.3.
Variant type: single nucleotide variant.
Coding change: c.2131C>T on transcript NM_021729.6 (MANE Select); coding-DNA position 2131, C replaced by T.
Protein change: p.Arg711Cys; replaces arginine 711 with cysteine.
Molecular consequence: missense variant. On other transcripts: non-coding transcript variant (8).
Genome position (GRCh38, 1-based): chr11:119,078,862, C>T. VCF-style: chr11-119078862-C-T. GRCh37 (hg19) VCF-style: chr11-118949572-C-T.
Other names: c.2101C>T, p.Arg701Cys (NM_001290185.2); c.2143C>T, p.Arg715Cys (NM_001378218.1, NM_001378219.1); c.2116C>T, p.Arg706Cys (NM_001378220.1); c.2113C>T, p.Arg705Cys (NM_001378221.1); short protein forms R705C, R711C, R701C, R706C, R715C.
Identifiers: ClinVar variation 1466832 (VCV001466832.4), dbSNP rs373250787, ClinGen allele CA6313639.
Genomic context (GRCh38, chr11:119,078,862, plus strand): 5'-CAGATCATGCACTACCACATGCAGCACGAGCAGTACCGGCAGGTCATCAGCGTGTGTGAG[C>T]GCCATGGGGAGCAGGACCCCTCCTTGTGGGAGCAGGCCCTCAGCTACTTCGCTCGCAAGG-3'
Protein context (NP_068375.3, residues 701-721): QYRQVISVCE[Arg711Cys]HGEQDPSLWE

ClinVar aggregate classification (germline): Uncertain significance (1 of 4 stars; one submission).

Allele frequency attached by ClinVar (database versions not stated): ExAC 0.00001; TOPMed 0.00002; gnomAD exomes 0.00003 and 0.00006; gnomAD 0.00006; ESP Exome Variant Server 0.00008.

Submission:

Labcorp Genetics (formerly Invitae), Labcorp
Classification: Uncertain significance. Last evaluated: 2025-11-12. Review status: criteria provided, single submitter. Criteria: Invitae Variant Classification Sherloc (09022015). Collection method: clinical testing. Allele origin: germline.
Comment: This sequence change replaces arginine, which is basic and polar, with cysteine, which is neutral and slightly polar, at codon 711 of the VPS11 protein (p.Arg711Cys). This variant is present in population databases (rs373250787, gnomAD 0.005%). This variant has not been reported in the literature in individuals affected with VPS11-related conditions. ClinVar contains an entry for this variant (Variation ID: 1466832). Invitae Evidence Modeling of protein sequence and biophysical properties (such as structural, functional, and spatial information, amino acid conservation, physicochemical variation, residue mobility, and thermodynamic stability) indicates that this missense variant is expected to disrupt VPS11 protein function with a positive predictive value of 80%. In summary, the available evidence is currently insufficient to determine the role of this variant in disease. Therefore, it has been classified as a Variant of Uncertain Significance.